The following is an entry in ClinVar:

ClinVar aggregate classification (germline): Conflicting classifications of pathogenicity. Review status: criteria provided, conflicting classifications (1 of 4 stars). 3 submissions from 3 submitters: Likely pathogenic (1); Uncertain significance (2). Last evaluated 2026-07-20.

Conditions:
Seckel syndrome 5 (SCKL5). Identifiers: Orphanet 808, MedGen C3151187, MONDO:0013443, OMIM 613823.

Allele frequency attached by ClinVar (database versions not stated): ESP Exome Variant Server 0.00025; 1000 Genomes Project 30x 0.00031; gnomAD exomes 0.00003 and 0.00001; ExAC 0.00005; TOPMed 0.00011; gnomAD 0.00017; 1000 Genomes Project 0.00020.
gnomAD v4.1: 36 of 1,614,124 alleles (0.0022%); highest among the groups gnomAD compares: African/African-American, 0.045%; no homozygotes.

Submissions (3):

GeneDx
Classification: Uncertain significance. Last evaluated: 2026-07-20. Review status: criteria provided, single submitter. Criteria: GeneDx Variant Classification Process June 2021. Collection method: clinical testing. Allele origin: germline.
Comment: Has not been previously published as pathogenic or benign to our knowledge; Nonsense variant predicted to result in protein truncation, as the last 348 amino acids are lost, and other loss-of-function variants have been reported downstream in HGMD

Baylor Genetics
Classification: Uncertain significance for Seckel syndrome 5. Last evaluated: 2024-09-07. Review status: criteria provided, single submitter. Criteria: ACMG Guidelines, 2015. Collection method: clinical testing. Allele origin: unknown.
Comment: The c.3919C>T (p.Q1307*) variant in the CEP152 gene is predicted to escape nonsense-mediated decay (NMD), and the functional impact of this change is uncertain.

Eurofins Ntd Llc (ga)
Classification: Likely pathogenic. Last evaluated: 2016-10-03. Review status: criteria provided, single submitter. Criteria: EGL Classification Definitions 2015. Collection method: clinical testing. Allele origin: germline. Observed: 1 variant allele, 1 heterozygote.

NM_001194998.2(CEP152):c.4087C>T (p.Gln1363Ter)

Gene: CEP152 (centrosomal protein 152; minus strand). Cytogenetic location: 15q21.1.
Variant type: single nucleotide variant.
Coding change: c.4087C>T on transcript NM_001194998.2 (MANE Select); coding-DNA position 4087, C replaced by T.
Protein change: p.Gln1363Ter; replaces glutamine 1363 with a stop codon.
Molecular consequence: nonsense.
Genome position (GRCh38, 1-based): chr15:48,741,607, G>A on the plus strand (C>T on the coding strand, the complement: CEP152 is on the minus strand). VCF-style: chr15-48741607-G-A. GRCh37 (hg19) VCF-style: chr15-49033804-G-A.
Other names: c.3919C>T, p.Gln1307Ter (NM_014985.4); c.3919C>T (NM_014985.3); short protein forms Q1307*, Q1363*.
Identifiers: ClinVar variation 497763 (VCV000497763.9), dbSNP rs201442213, ClinGen allele CA7548187.